The following is an entry in ClinVar:

NM_000460.4(THPO):c.753C>G (p.His251Gln)

Gene: THPO (thrombopoietin; minus strand). Cytogenetic location: 3q27.1.
Variant type: single nucleotide variant.
Coding change: c.753C>G on transcript NM_000460.4 (MANE Select); coding-DNA position 753, C replaced by G.
Protein change: p.His251Gln; replaces histidine 251 with glutamine.
Molecular consequence: missense variant.
Genome position (GRCh38, 1-based): chr3:184,372,822, G>C on the plus strand (C>G on the coding strand, the complement: THPO is on the minus strand). VCF-style: chr3-184372822-G-C. GRCh37 (hg19) VCF-style: chr3-184090610-G-C.
Other names: c.741C>G, p.His247Gln (NM_001177597.2, NM_001290022.1); c.736C>G, p.Arg246Gly (NM_001177598.2, NM_001290026.1); c.637C>G, p.Arg213Gly (NM_001289997.1, NM_001290027.1); c.753C>G, p.His251Gln (NM_001289998.1, NM_001290028.1); c.1173C>G, p.His391Gln (NM_001290003.1); short protein forms R213G, R246G, H391Q, H247Q, H251Q.
Identifiers: ClinVar variation 2084087 (VCV002084087.4), dbSNP rs140658452, ClinGen allele CA2734878.

ClinVar aggregate classification (germline): Uncertain significance (1 of 4 stars; one submission).

Allele frequency attached by ClinVar (database versions not stated): ESP Exome Variant Server 0.00008; 1000 Genomes Project 0.00020; 1000 Genomes Project 30x 0.00031.
gnomAD v4.1: 27 of 1,614,126 alleles (0.0017%); highest among the groups gnomAD compares: African/African-American, 0.031%; no homozygotes.

Submission:

Labcorp Genetics (formerly Invitae), Labcorp
Classification: Uncertain significance. Last evaluated: 2025-03-18. Review status: criteria provided, single submitter. Criteria: Invitae Variant Classification Sherloc (09022015). Collection method: clinical testing. Allele origin: germline.
Comment: This sequence change replaces histidine, which is basic and polar, with glutamine, which is neutral and polar, at codon 251 of the THPO protein (p.His251Gln). This variant is present in population databases (rs140658452, gnomAD 0.03%). This missense change has been observed in individual(s) with aplastic anemia (PMID: 30523342). ClinVar contains an entry for this variant (Variation ID: 2084087). Invitae Evidence Modeling of protein sequence and biophysical properties (such as structural, functional, and spatial information, amino acid conservation, physicochemical variation, residue mobility, and thermodynamic stability) indicates that this missense variant is not expected to disrupt THPO protein function with a negative predictive value of 80%. In summary, the available evidence is currently insufficient to determine the role of this variant in disease. Therefore, it has been classified as a Variant of Uncertain Significance.

Literature cited by the submitters: PubMed 30523342.